The following is an entry in ClinVar:

NM_000492.4(CFTR):c.3073G>A (p.Ala1025Thr)

Genes: CFTR (CF transmembrane conductance regulator; plus strand), CFTR-AS2 (CFTR antisense RNA 2; minus strand), LOC111674472 (DNase I hypersensitive sites in introns 16 and 17a of CFTR; plus strand). Cytogenetic location: 7q31.2.
Variant type: single nucleotide variant.
Coding change: c.3073G>A on transcript NM_000492.4 (MANE Select); coding-DNA position 3073, G replaced by A.
Protein change: p.Ala1025Thr; replaces alanine 1025 with threonine.
Molecular consequence: missense variant.
Genome position (GRCh38, 1-based): chr7:117,610,603, G>A. VCF-style: chr7-117610603-G-A. GRCh37 (hg19) VCF-style: chr7-117250657-G-A.
Other names: short protein forms A1025T.
Identifiers: ClinVar variation 3491645 (VCV003491645.1).

ClinVar aggregate classification (germline): Uncertain significance (1 of 4 stars; one submission).

Conditions:
Cystic fibrosis (CF). Also called: MUCOVISCIDOSIS. Identifiers: Orphanet 586, MedGen C0010674, MONDO:0009061, OMIM 219700. Disease mechanism: loss of function.

Submission:

Ambry Genetics
Classification: Uncertain significance for Cystic fibrosis. Last evaluated: 2024-08-23. Review status: criteria provided, single submitter. Criteria: Ambry Variant Classification Scheme 2023. Collection method: clinical testing. Allele origin: germline.
Comment: The p.A1025T variant (also known as c.3073G>A), located in coding exon 19 of the CFTR gene, results from a G to A substitution at nucleotide position 3073. The alanine at codon 1025 is replaced by threonine, an amino acid with similar properties. This amino acid position is not well conserved in available vertebrate species. In addition, the in silico prediction for this alteration is inconclusive. Based on the available evidence, the clinical significance of this variant remains unclear.